The following is an entry in ClinVar:

NM_015346.4(ZFYVE26):c.423G>C (p.Arg141Ser)

Gene: ZFYVE26 (zinc finger FYVE-type containing 26; minus strand). Cytogenetic location: 14q24.1.
Variant type: single nucleotide variant.
Coding change: c.423G>C on transcript NM_015346.4 (MANE Select); coding-DNA position 423, G replaced by C.
Protein change: p.Arg141Ser; replaces arginine 141 with serine.
Molecular consequence: missense variant.
Genome position (GRCh38, 1-based): chr14:67,807,861, C>G on the plus strand (G>C on the coding strand, the complement: ZFYVE26 is on the minus strand). VCF-style: chr14-67807861-C-G. GRCh37 (hg19) VCF-style: chr14-68274578-C-G.
Other names: short protein forms R141S.
Identifiers: ClinVar variation 1715041 (VCV001715041.3), dbSNP rs1376149768, ClinGen allele CA390162258.

ClinVar aggregate classification (germline): Uncertain significance (1 of 4 stars; one submission).

Conditions:
Spastic paraplegia. Identifiers: MedGen C0037772, HP:0001258.

Submission:

Labcorp Genetics (formerly Invitae), Labcorp
Classification: Uncertain significance for Spastic paraplegia. Last evaluated: 2022-07-15. Review status: criteria provided, single submitter. Criteria: Invitae Variant Classification Sherloc (09022015). Collection method: clinical testing. Allele origin: germline.
Comment: This sequence change replaces arginine, which is basic and polar, with serine, which is neutral and polar, at codon 141 of the ZFYVE26 protein (p.Arg141Ser). This variant is not present in population databases (gnomAD no frequency). This variant has not been reported in the literature in individuals affected with ZFYVE26-related conditions. Algorithms developed to predict the effect of missense changes on protein structure and function (SIFT, PolyPhen-2, Align-GVGD) all suggest that this variant is likely to be tolerated. In summary, the available evidence is currently insufficient to determine the role of this variant in disease. Therefore, it has been classified as a Variant of Uncertain Significance.